The following is an entry in ClinVar:

NC_000014.8:g.(?_54410919)_(55369403_?)del

Genes: BMP4 (bone morphogenetic protein 4; minus strand), CDKN3 (cyclin dependent kinase inhibitor 3; plus strand), CGRRF1 (cell growth regulator with ring finger domain 1; plus strand), CNIH1 (cornichon family member 1; minus strand), GCH1 (GTP cyclohydrolase 1; minus strand) and 2 more. Cytogenetic location: 14q22.2.
Variant type: Deletion.
Identifiers: ClinVar variation 2422501 (VCV002422501.3).

ClinVar aggregate classification (germline): Pathogenic (1 of 4 stars; one submission).

Conditions:
GTP cyclohydrolase I deficiency. Identifiers: MedGen C0268467, MONDO:0100184.
Dystonia 5 (DRD). Also called: DYSTONIA, PROGRESSIVE, WITH DIURNAL VARIATION; DYSTONIA-PARKINSONISM WITH DIURNAL FLUCTUATION; GTP Cyclohydrolase 1-Deficient Dopa-Responsive Dystonia; DYT-GCH1; Dystonia, DOPA-responsive, with or without hyperphenylalaninemia. Identifiers: Orphanet 98808, MedGen C1851920, MONDO:0007495, OMIM 128230.

Submission:

Labcorp Genetics (formerly Invitae), Labcorp
Classification: Pathogenic for GTP cyclohydrolase I deficiency; Dystonia 5. Last evaluated: 2022-04-10. Review status: criteria provided, single submitter. Criteria: Invitae Variant Classification Sherloc (09022015). Collection method: clinical testing. Allele origin: germline.
Comment: A gross deletion of the genomic region encompassing the full coding sequence of the GCH1 gene has been identified. Loss-of-function variants in GCH1 are known to be pathogenic (PMID: 9667588, 19332422, 19491146, 25557619). The boundaries of this event are unknown as they extend beyond the assayed region for this gene and therefore may encompass additional genes. A similar copy number variant has been observed in individual(s) with dopa-responsive dystonia (PMID: 17111153). For these reasons, this variant has been classified as Pathogenic.

Literature cited by the submitters: PubMed 9667588; PubMed 19332422; PubMed 19491146; PubMed 25557619; PubMed 17111153.